The following is an entry in ClinVar:

ClinVar aggregate classification (germline): Pathogenic (1 of 4 stars; one submission).

Conditions:
Joubert syndrome. Also called: CEREBELLOPARENCHYMAL DISORDER IV; JOUBERT-BOLTSHAUSER SYNDROME; Familial aplasia of the vermis. Identifiers: Orphanet 475, MedGen C5979921, MONDO:0018772.

Allele frequency attached by ClinVar (database versions not stated): gnomAD 0.00001.
gnomAD v4.1: 4 of 1,613,342 alleles (0.00025%); highest among the groups gnomAD compares: Non-Finnish European, 0.00034%; no homozygotes.

Submission:

Labcorp Genetics (formerly Invitae), Labcorp
Classification: Pathogenic for Joubert syndrome. Last evaluated: 2024-01-31. Review status: criteria provided, single submitter. Criteria: Invitae Variant Classification Sherloc (09022015). Collection method: clinical testing. Allele origin: germline.
Comment: This sequence change creates a premature translational stop signal (p.Gln1097*) in the AHI1 gene. It is expected to result in an absent or disrupted protein product. Loss-of-function variants in AHI1 are known to be pathogenic (PMID: 15322546, 16453322, 28442542, 29186038). This variant is present in population databases (no rsID available, gnomAD 0.007%). This variant has not been reported in the literature in individuals affected with AHI1-related conditions. ClinVar contains an entry for this variant (Variation ID: 2115765). Algorithms developed to predict the effect of sequence changes on RNA splicing suggest that this variant may disrupt the consensus splice site. For these reasons, this variant has been classified as Pathogenic.

Literature cited by the submitters: PubMed 15322546; PubMed 16453322; PubMed 28442542; PubMed 29186038.

NM_001134831.2(AHI1):c.3289C>T (p.Gln1097Ter)

Gene: AHI1 (Abelson helper integration site 1; minus strand). Cytogenetic location: 6q23.3.
Variant type: single nucleotide variant.
Coding change: c.3289C>T on transcript NM_001134831.2 (MANE Select); coding-DNA position 3289, C replaced by T.
Protein change: p.Gln1097Ter; replaces glutamine 1097 with a stop codon.
Molecular consequence: nonsense.
Genome position (GRCh38, 1-based): chr6:135,323,201, G>A on the plus strand (C>T on the coding strand, the complement: AHI1 is on the minus strand). VCF-style: chr6-135323201-G-A. GRCh37 (hg19) VCF-style: chr6-135644339-G-A.
Other names: c.3289C>T, p.Gln1097Ter (NM_001134830.2, NM_001350503.2, NM_001350504.2 and 1 more transcripts); short protein forms Q1097*.
Identifiers: ClinVar variation 2115765 (VCV002115765.4), dbSNP rs1457793607, ClinGen allele CA365845518.